The following is an entry in ClinVar:

ClinVar aggregate classification (germline): Uncertain significance (0 of 4 stars; one submission).

Conditions:
PLXNA2-related disorder. Also called: PLXNA2-related condition.

gnomAD v4.1: 3 of 1,611,152 alleles (0.00019%); highest among the groups gnomAD compares: Admixed American, 0.0033%; no homozygotes.

Submission:

PreventionGenetics, part of Exact Sciences
Classification: Uncertain significance for PLXNA2-related condition. Last evaluated: 2024-04-18. Review status: no assertion criteria provided. Collection method: clinical testing. Allele origin: germline.
Comment: The PLXNA2 c.5005G>A variant is predicted to result in the amino acid substitution p.Gly1669Ser. To our knowledge, this variant has not been reported in the literature. This variant is reported in 0.0058% of alleles in individuals of Latino descent in gnomAD. At this time, the clinical significance of this variant is uncertain due to the absence of conclusive functional and genetic evidence.

NM_025179.4(PLXNA2):c.5005G>A (p.Gly1669Ser)

Gene: PLXNA2 (plexin A2; minus strand). Cytogenetic location: 1q32.2.
Variant type: single nucleotide variant.
Coding change: c.5005G>A on transcript NM_025179.4 (MANE Select); coding-DNA position 5005, G replaced by A.
Protein change: p.Gly1669Ser; replaces glycine 1669 with serine.
Molecular consequence: missense variant.
Genome position (GRCh38, 1-based): chr1:208,033,369, C>T on the plus strand (G>A on the coding strand, the complement: PLXNA2 is on the minus strand). VCF-style: chr1-208033369-C-T. GRCh37 (hg19) VCF-style: chr1-208206714-C-T.
Other names: short protein forms G1669S.
Identifiers: ClinVar variation 3351534 (VCV003351534.1).
Genomic context (GRCh38, chr1:208,033,369, plus strand): 5'-GGGGAGTTACCTTGGTGGCCAGTAGCCGGGTCAGGTAGATCTCGGACACCATCTTGCTGC[C>T]CCGGTCACCCTCCTTCTGGTCACCGTGGTCATGGTTCTTCACCAGATGCCACACCTTGAC-3'
Protein context (NP_079455.3, residues 1659-1679): DHGDQKEGDR[Gly1669Ser]SKMVSEIYLT